The following is an entry in ClinVar:

NM_001430.5(EPAS1):c.1951A>G (p.Lys651Glu)

Gene: EPAS1 (endothelial PAS domain protein 1; plus strand). Cytogenetic location: 2p21.
Variant type: single nucleotide variant.
Coding change: c.1951A>G on transcript NM_001430.5 (MANE Select); coding-DNA position 1951, A replaced by G.
Protein change: p.Lys651Glu; replaces lysine 651 with glutamic acid.
Molecular consequence: missense variant.
Genome position (GRCh38, 1-based): chr2:46,380,623, A>G. VCF-style: chr2-46380623-A-G. GRCh37 (hg19) VCF-style: chr2-46607762-A-G.
Other names: short protein forms K651E.
Identifiers: ClinVar variation 1783238 (VCV001783238.2), dbSNP rs1242153060, ClinGen allele CA346705220.
Genomic context (GRCh38, chr2:46,380,623, plus strand): 5'-ATGGGGGGCAGATCCAATACCCAGTGGCCCCCAGATCCACCATTACATTTTGGGCCCACA[A>G]AGTGGGCCGTCGGGGATCAGCGCACAGAGTTCTTGGGAGCAGCGCCGTTGGGGCCCCCTG-3'
Protein context (NP_001421.2, residues 641-661): PDPPLHFGPT[Lys651Glu]WAVGDQRTEF

ClinVar aggregate classification (germline): Uncertain significance (1 of 4 stars; one submission).

Conditions:
Inborn genetic diseases. Identifiers: MedGen C0950123, MeSH D030342.

Allele frequency attached by ClinVar (database versions not stated): gnomAD exomes below 0.00001.
gnomAD v4.1: 1 of 1,614,054 alleles (0.000062%); highest among the groups gnomAD compares: South Asian, 0.0011%; no homozygotes.

Submission:

Ambry Genetics
Classification: Uncertain significance for Inborn genetic diseases. Last evaluated: 2022-10-13. Review status: criteria provided, single submitter. Criteria: Ambry Variant Classification Scheme 2023. Collection method: clinical testing. Allele origin: germline.
Comment: The p.K651E variant (also known as c.1951A>G), located in coding exon 12 of the EPAS1 gene, results from an A to G substitution at nucleotide position 1951. The lysine at codon 651 is replaced by glutamic acid, an amino acid with similar properties. This amino acid position is conserved. In addition, this alteration is predicted to be tolerated by in silico analysis. Since supporting evidence is limited at this time, the clinical significance of this alteration remains unclear.